The following is an entry in ClinVar:

NM_001252102.2(KIF21B):c.1045C>A (p.Pro349Thr)

Gene: KIF21B (kinesin family member 21B; minus strand). Cytogenetic location: 1q32.1.
Variant type: single nucleotide variant.
Coding change: c.1045C>A on transcript NM_001252102.2 (MANE Select); coding-DNA position 1045, C replaced by A.
Protein change: p.Pro349Thr; replaces proline 349 with threonine.
Molecular consequence: missense variant.
Genome position (GRCh38, 1-based): chr1:201,003,753, G>T on the plus strand (C>A on the coding strand, the complement: KIF21B is on the minus strand). VCF-style: chr1-201003753-G-T. GRCh37 (hg19) VCF-style: chr1-200972881-G-T.
Other names: c.1045C>A, p.Pro349Thr (NM_001252100.2, NM_001252103.2, NM_017596.4); short protein forms P349T.
Identifiers: ClinVar variation 4281995 (VCV004281995.1).

ClinVar aggregate classification (germline): Uncertain significance (1 of 4 stars; one submission).

Submission:

GeneDx
Classification: Uncertain significance. Last evaluated: 2025-04-11. Review status: criteria provided, single submitter. Criteria: GeneDx Variant Classification Process June 2021. Collection method: clinical testing. Allele origin: germline. Affected: yes.
Comment: Not observed at significant frequency in large population cohorts (gnomAD); In silico analysis supports that this missense variant has a deleterious effect on protein structure/function; Has not been previously published as pathogenic or benign to our knowledge